The following is an entry in ClinVar:

ClinVar aggregate classification (germline): Conflicting classifications of pathogenicity. Review status: criteria provided, conflicting classifications (1 of 4 stars). 2 submissions from 2 submitters: Uncertain significance (1); Likely benign (1). Last evaluated 2024-04-16.

Conditions:
Hereditary cancer-predisposing syndrome. Also called: Tumor predisposition; Hereditary Cancer Syndrome; Hereditary neoplastic syndrome; Neoplastic Syndromes, Hereditary. Identifiers: Orphanet 140162, MedGen C0027672, MeSH D009386, MONDO:0015356.
Hereditary breast ovarian cancer syndrome. Also called: Hereditary breast and/or ovarian cancer syndrome; BRCA1- and BRCA2-Associated Hereditary Breast and Ovarian Cancer; Hereditary breast and ovarian cancer syndrome; Hereditary breast and ovarian cancer; Hereditary breast and ovarian cancer syndrome (HBOC); Breast and ovarian cancer. Identifiers: Orphanet 145, MedGen C0677776, MeSH D061325, MONDO:0003582. Disease mechanism: loss of function.

gnomAD v4.1: 8 of 1,613,930 alleles (0.0005%); highest among the groups gnomAD compares: Non-Finnish European, 0.00068%; no homozygotes.

Submissions (3):

Labcorp Genetics (formerly Invitae), Labcorp
Classification: Uncertain significance for Hereditary breast ovarian cancer syndrome. Last evaluated: 2024-04-16. Review status: criteria provided, single submitter. Criteria: Invitae Variant Classification Sherloc (09022015). Collection method: clinical testing. Allele origin: germline.
Comment: This sequence change replaces isoleucine, which is neutral and non-polar, with valine, which is neutral and non-polar, at codon 15 of the BRCA1 protein (p.Ile15Val). This variant is not present in population databases (gnomAD no frequency). This missense change has been observed in individual(s) with breast and/or ovarian cancer (PMID: 12815604, 30702160). This variant is also known as c.162A>G. ClinVar contains an entry for this variant (Variation ID: 865035). Advanced modeling performed at Invitae incorporating data from internal and/or published experimental studies (PMID: 30209399) indicates that this missense variant is not expected to disrupt BRCA1 function with a negative predictive value of 95%. Experimental studies are conflicting or provide insufficient evidence to determine the effect of this variant on BRCA1 function (PMID: 25823446, 30209399). In summary, the available evidence is currently insufficient to determine the role of this variant in disease. Therefore, it has been classified as a Variant of Uncertain Significance.

Ambry Genetics
Classification: Likely benign for Hereditary cancer-predisposing syndrome. Last evaluated: 2021-03-11. Review status: criteria provided, single submitter. Criteria: Ambry Variant Classification Scheme 2023. Collection method: clinical testing. Allele origin: germline.

Brotman Baty Institute, University of Washington
No classification provided (evidence only). Condition: Breast-ovarian cancer, familial 1. Review status: no classification provided. Collection method: in vitro. Allele origin: not applicable. Functional consequence: functionally_normal. Not counted in ClinVar's aggregate classification.
ClinVar note: "not provided" was previously submitted as the classification for the variant. However, the classification appeared to be based only on an observation of functional data so it was converted to no classification on 2025-07-30.

Literature cited by the submitters: PubMed 12815604 (cited by Labcorp Genetics (formerly Invitae), Labcorp and Ambry Genetics); PubMed 30702160 (cited by Labcorp Genetics (formerly Invitae), Labcorp and Ambry Genetics); PubMed 30209399 (cited by Labcorp Genetics (formerly Invitae), Labcorp and Ambry Genetics); PubMed 25823446 (cited by Labcorp Genetics (formerly Invitae), Labcorp and Ambry Genetics); PubMed 30696104 (cited by Ambry Genetics).

NM_007294.4(BRCA1):c.43A>G (p.Ile15Val)

Gene: BRCA1 (BRCA1 DNA repair associated; minus strand). Cytogenetic location: 17q21.31.
Variant type: single nucleotide variant.
Coding change: c.43A>G on transcript NM_007294.4 (MANE Select); coding-DNA position 43, A replaced by G.
Protein change: p.Ile15Val; replaces isoleucine 15 with valine.
Molecular consequence: missense variant. On other transcripts: 5 prime UTR variant (1), non-coding transcript variant (1).
Genome position (GRCh38, 1-based): chr17:43,124,054, T>C on the plus strand (A>G on the coding strand, the complement: BRCA1 is on the minus strand). VCF-style: chr17-43124054-T-C. GRCh37 (hg19) VCF-style: chr17-41276071-T-C.
Other names: c.-146A>G (NM_001407571.1, NM_001407853.1, NM_001407879.1 and 46 more transcripts); c.43A>G, p.Ile15Val (NM_001407581.1, NM_001407582.1, NM_001407583.1 and 193 more transcripts); c.-215A>G (NM_001407694.1, NM_001407724.1, NM_001407727.1 and 11 more transcripts); c.-219A>G (NM_001407695.1, NM_001408465.1); c.-360A>G (NM_001407696.1); c.-244A>G (NM_001407697.1, NM_001407846.1, NM_001407920.1); c.-45A>G (NM_001407698.1, NM_001407732.1, NM_001407736.1 and 23 more transcripts); c.-218A>G (NM_001407725.1, NM_001407730.1, NM_001407734.1 and 22 more transcripts); and 8 more; short protein forms I15V.
Identifiers: ClinVar variation 865035 (VCV000865035.14), dbSNP rs80357031, ClinGen allele CA10602074.